The following is an entry in ClinVar:

ClinVar aggregate classification (germline): Conflicting classifications of pathogenicity. Review status: criteria provided, conflicting classifications (1 of 4 stars). 11 submissions from 11 submitters: Pathogenic (2); Likely pathogenic (3); Uncertain significance (4). 2 of the submissions do not count toward it. Last evaluated 2026-09-30.

Conditions:
Usher syndrome type 2A. Also called: RETINAL DISEASE IN USHER SYNDROME TYPE IIA, MODIFIER OF; USHER SYNDROME, TYPE IIA. Identifiers: Orphanet 231178, Orphanet 886, MedGen C1848634, MONDO:0010169, OMIM 276901.
Inborn genetic diseases. Identifiers: MedGen C0950123, MeSH D030342.
USH2A-related disorder. Also called: USH2A-related condition; USH2A-related disorders. Identifiers: MedGen CN239332.
Retinitis pigmentosa 39 (RP39). Identifiers: Orphanet 791, MedGen C3151138, MONDO:0013436, OMIM 613809.
Usher syndrome type 2. Also called: Usher Syndrome Type II. Identifiers: Orphanet 231178, MedGen C0339534, MONDO:0016484.

Allele frequency attached by ClinVar (database versions not stated): gnomAD 0.00003; ExAC 0.00013; gnomAD exomes 0.00018 and 0.00008; TOPMed 0.00007.
gnomAD v4.1: 52 of 1,613,768 alleles (0.0032%); highest among the groups gnomAD compares: Admixed American, 0.085%; no homozygotes.

Submissions (11):

3billion
Classification: Likely pathogenic for Retinitis pigmentosa 39. Last evaluated: 2026-09-30. Review status: criteria provided, single submitter. Criteria: ACMG Guidelines, 2015. Collection method: clinical testing. Allele origin: germline. Inheritance: Autosomal recessive inheritance. Affected: yes.
Comment: The variant is observed at an extremely low frequency in the gnomAD v4.1.0 dataset (total allele frequency: 0.003%). Predicted Consequence/Location: Missense variant In silico tool predictions suggest damaging effect of the variant on gene or gene product [REVEL: 0.861 (>= 0.644, sensitivity 0.68 and specificity 0.92) The same nucleotide change resulting in the same amino acid change has been previously reported as pathogenic/likely pathogenic with strong evidence (ClinVar ID: VCV000597787.23). Therefore, this variant is classified as Likely pathogenic (PS1_S, PM2_P, PM3_P, PP3_P) according to the recommendation of ACMG/AMP guideline.

PreventionGenetics, part of Exact Sciences
Classification: Uncertain significance for USH2A-related condition. Last evaluated: 2026-09-03. Review status: criteria provided, single submitter. Criteria: ACMG Guidelines, 2015. Collection method: clinical testing. Allele origin: germline.
Comment: The USH2A c.4016T>G variant is predicted to result in the amino acid substitution p.Val1339Gly. This variant has been reported in the apparently homozygous state or along with a second USH2A variant in individuals with USH2A-related disorders (Table S3, Ordoñez-Labastida et al. 2023. PubMed ID: 37287646; Villafuerte-de la Cruz et al. 2024. PubMed ID: 38347443; Internal Data, PreventionGenetics; Supplemental Table, Florentine et al. 2022. PubMed ID: 34515852; Areli et al. 2025. DOI 10.70632/jbbr.9.1.2025). This variant has also been reported in an individual with retinal dystrophy (Table S4, Tollefson et al. 2023. PubMed ID: 37086329); however, additional genetic information was not provided. This variant is reported in 0.13% of alleles in individuals of Latino descent in gnomAD. This variant has conflicting classifications listed in ClinVar ranging from uncertain to pathogenic (Variation ID: 597787). Although we suspect this variant is pathogenic, at this time, the clinical significance of this variant is uncertain due to the absence of conclusive functional and genetic evidence.

Myriad Genetics, Inc.
Classification: Likely pathogenic for USH2A-related disorder. Last evaluated: 2026-08-07. Review status: criteria provided, single submitter. Criteria: Myriad Autosomal Dominant, Autosomal Recessive and X-Linked Classification Criteria (2023). Collection method: clinical testing. Allele origin: unknown.
Comment: NM_206933.2(USH2A):c.4016T>G(V1339G) is a missense variant classified as likely pathogenic in the context of USH2A-related disorders. V1339G has been observed in cases with relevant disease (PMID: 38347443, 37287646, 38927702, Areli_2024_(article)). Relevant functional assessments of this variant are not available in the literature. V1339G has been observed in referenced population frequency databases. In summary, NM_206933.2(USH2A):c.4016T>G(V1339G) is a missense variant that has been observed more frequently in cases with the relevant disease than in healthy populations. Please note: this variant was assessed in the context of healthy population screening.

Labcorp Genetics (formerly Invitae), Labcorp
Classification: Pathogenic. Last evaluated: 2026-01-28. Review status: criteria provided, single submitter. Criteria: Invitae Variant Classification Sherloc (09022015). Collection method: clinical testing. Allele origin: germline.
Comment: This sequence change replaces valine, which is neutral and non-polar, with glycine, which is neutral and non-polar, at codon 1339 of the USH2A protein (p.Val1339Gly). This variant is present in population databases (rs781668118, gnomAD 0.1%). This missense change has been observed in individuals with clinical features of inherited retinal dystrophy (internal data). ClinVar contains an entry for this variant (Variation ID: 597787). Invitae Evidence Modeling of protein sequence and biophysical properties (such as structural, functional, and spatial information, amino acid conservation, physicochemical variation, residue mobility, and thermodynamic stability) indicates that this missense variant is expected to disrupt USH2A protein function with a positive predictive value of 95%. For these reasons, this variant has been classified as Pathogenic.

GeneDx
Classification: Uncertain significance. Last evaluated: 2025-06-09. Review status: criteria provided, single submitter. Criteria: GeneDx Variant Classification Process June 2021. Collection method: clinical testing. Allele origin: germline. Affected: yes.
Comment: Reported with a second variant (phase unknown) in a patient with features consistent with an USH2A-related disorder in published literature (PMID: 37287646); In silico analysis supports that this missense variant has a deleterious effect on protein structure/function; This variant is associated with the following publications: (PMID: 37287646, 37086329, 38347443, 38927702, Viveros-AguilarA2025[Article])

Fulgent Genetics
Classification: Likely pathogenic for Usher syndrome type 2A; Retinitis pigmentosa 39. Last evaluated: 2024-03-29. Review status: criteria provided, single submitter. Criteria: ACMG Guidelines, 2015. Collection method: clinical testing. Allele origin: germline.

Ambry Genetics
Classification: Uncertain significance for Inborn genetic diseases. Last evaluated: 2022-07-19. Review status: criteria provided, single submitter. Criteria: Ambry Variant Classification Scheme 2023. Collection method: clinical testing. Allele origin: germline.

Eurofins Ntd Llc (ga)
Classification: Uncertain significance. Last evaluated: 2018-07-11. Review status: criteria provided, single submitter. Criteria: EGL ClinVar v180209 classification definitions. Collection method: clinical testing. Allele origin: germline. Observed: 1 variant allele, 1 heterozygote.

Blueprint Genetics
Classification: Pathogenic for USH2A-related disorders. Last evaluated: 2018-06-27. Review status: criteria provided, single submitter. Criteria: ACMG Guidelines, 2015. Collection method: clinical testing. Allele origin: germline. Affected: yes. Observed: 1 variant allele.

Ophthalmo-Genetics Lab, Instituto de Oftalmologia Conde de Valenciana
Classification: Likely pathogenic for Usher syndrome type 2. Last evaluated: 2022-11-14. Review status: no assertion criteria provided. Collection method: clinical testing. Allele origin: germline. Inheritance: Autosomal recessive inheritance. Affected: yes. Observed: 1 compound heterozygote. Not counted in ClinVar's aggregate classification.
Comment: Novel variant. Likely pathogenic. PP1 (manual), PP4 (manual), PM3 (manual), PM2, PP3.

Natera, Inc.
Classification: Uncertain significance for Usher syndrome type 2A. Last evaluated: 2019-11-11. Review status: no assertion criteria provided. Collection method: clinical testing. Allele origin: germline. Not counted in ClinVar's aggregate classification.

Literature cited by the submitters: PubMed 35076463 (cited by Ophthalmo-Genetics Lab, Instituto de Oftalmologia Conde de Valenciana).

NM_206933.4(USH2A):c.4016T>G (p.Val1339Gly)

Genes: USH2A-AS1 (USH2A antisense RNA 1; plus strand), USH2A (usherin; minus strand). Cytogenetic location: 1q41.
Variant type: single nucleotide variant.
Coding change: c.4016T>G on transcript NM_206933.4 (MANE Select); coding-DNA position 4016, T replaced by G.
Protein change: p.Val1339Gly; replaces valine 1339 with glycine.
Molecular consequence: missense variant.
Genome position (GRCh38, 1-based): chr1:216,198,380, A>C on the plus strand (T>G on the coding strand, the complement: USH2A is on the minus strand). VCF-style: chr1-216198380-A-C. GRCh37 (hg19) VCF-style: chr1-216371722-A-C.
Other names: c.4016T>G, p.Val1339Gly (NM_007123.6); short protein forms V1339G.
Identifiers: ClinVar variation 597787 (VCV000597787.24), dbSNP rs781668118, ClinGen allele CA1395854.